The following is an entry in ClinVar:

NM_198578.4(LRRK2):c.7065A>G (p.Ile2355Met)

Gene: LRRK2 (leucine rich repeat kinase 2; plus strand). Cytogenetic location: 12q12.
Variant type: single nucleotide variant.
Coding change: c.7065A>G on transcript NM_198578.4 (MANE Select); coding-DNA position 7065, A replaced by G.
Protein change: p.Ile2355Met; replaces isoleucine 2355 with methionine.
Molecular consequence: missense variant.
Genome position (GRCh38, 1-based): chr12:40,363,438, A>G. VCF-style: chr12-40363438-A-G. GRCh37 (hg19) VCF-style: chr12-40757240-A-G.
Other names: short protein forms I2355M.
Identifiers: ClinVar variation 1756969 (VCV001756969.2), dbSNP rs1432579012, ClinGen allele CA384413230.

ClinVar aggregate classification (germline): Uncertain significance (1 of 4 stars; one submission).

Conditions:
Inborn genetic diseases. Identifiers: MedGen C0950123, MeSH D030342.

Allele frequency attached by ClinVar (database versions not stated): gnomAD exomes 0.00001.
gnomAD v4.1: 3 of 1,611,982 alleles (0.00019%); no homozygotes.

Submission:

Ambry Genetics
Classification: Uncertain significance for Inborn genetic diseases. Last evaluated: 2023-11-28. Review status: criteria provided, single submitter. Criteria: Ambry Variant Classification Scheme 2023. Collection method: clinical testing. Allele origin: germline.
Comment: The p.I2355M variant (also known as c.7065A>G), located in coding exon 48 of the LRRK2 gene, results from an A to G substitution at nucleotide position 7065. The isoleucine at codon 2355 is replaced by methionine, an amino acid with highly similar properties. This amino acid position is conserved. In addition, this alteration is predicted to be tolerated by in silico analysis. Since supporting evidence is limited at this time, the clinical significance of this alteration remains unclear.